The following is an entry in ClinVar:

NM_177438.3(DICER1):c.750A>G (p.Pro250=)

Gene: DICER1 (dicer 1, ribonuclease III; minus strand). Cytogenetic location: 14q32.13.
Variant type: single nucleotide variant.
Coding change: c.750A>G on transcript NM_177438.3 (MANE Select); coding-DNA position 750, A replaced by G.
Protein change: p.Pro250=; no amino-acid change (proline 250 retained).
Molecular consequence: synonymous variant.
Genome position (GRCh38, 1-based): chr14:95,126,733, T>C on the plus strand (A>G on the coding strand, the complement: DICER1 is on the minus strand). VCF-style: chr14-95126733-T-C. GRCh37 (hg19) VCF-style: chr14-95593070-T-C.
Other names: c.750A>G, p.Pro250= (NM_001195573.1, NM_001271282.3, NM_001291628.2 and 1 more transcripts).
Identifiers: ClinVar variation 477284 (VCV000477284.18), dbSNP rs1347073178, ClinGen allele CA487633602.
Genomic context (GRCh38, chr14:95,126,733, plus strand): 5'-CAGTCTTTCATAAAGCCCACTTCTGTCAGTAAATGGTCCACAATCCACCACAATCTCACA[T>C]GGCTGAGAAGTATACCTTTAACATAAGAAACAAAAGGTATCAATACTGCAGTAGTGAGAA-3'
Protein context (NP_803187.1, residues 240-260): LVVLDRYTSQ[Pro250=]CEIVVDCGPF

ClinVar aggregate classification (germline): Benign/Likely benign. Review status: criteria provided, multiple submitters, no conflicts (2 of 4 stars). 3 submissions from 3 submitters: Benign (1); Likely benign (2). Last evaluated 2026-08-19.

Conditions:
Hereditary cancer-predisposing syndrome. Also called: Tumor predisposition; Neoplastic Syndromes, Hereditary; Hereditary Cancer Syndrome; Hereditary neoplastic syndrome. Identifiers: Orphanet 140162, MedGen C0027672, MeSH D009386, MONDO:0015356.
DICER1-related tumor predisposition. Also called: DICER1 syndrome; DICER1-related pleuropulmonary blastoma cancer predisposition syndrome. Identifiers: Orphanet 284343, MedGen C3839822, MONDO:0100216.

Allele frequency attached by ClinVar (database versions not stated): gnomAD exomes 0.00001; gnomAD 0.00001.
gnomAD v4.1: 11 of 1,608,056 alleles (0.00068%); highest among the groups gnomAD compares: African/African-American, 0.0013%; no homozygotes.

Submissions (3):

Myriad Genetics, Inc.
Classification: Benign for DICER1-related tumor predisposition. Last evaluated: 2026-08-19. Review status: criteria provided, single submitter. Criteria: Myriad Autosomal Dominant, Autosomal Recessive and X-Linked Classification Criteria (2023). Collection method: clinical testing. Allele origin: unknown.
Comment: This variant is considered benign. This variant is a silent/synonymous amino acid change and it is not expected to impact splicing.

Labcorp Genetics (formerly Invitae), Labcorp
Classification: Likely benign for DICER1-related tumor predisposition. Last evaluated: 2025-10-14. Review status: criteria provided, single submitter. Criteria: Invitae Variant Classification Sherloc (09022015). Collection method: clinical testing. Allele origin: germline.

Ambry Genetics
Classification: Likely benign for Hereditary cancer-predisposing syndrome. Last evaluated: 2017-09-15. Review status: criteria provided, single submitter. Criteria: Ambry Variant Classification Scheme 2023. Collection method: clinical testing. Allele origin: germline.